The following is an entry in ClinVar:

ClinVar aggregate classification (germline): Uncertain significance. Review status: criteria provided, multiple submitters, no conflicts (2 of 4 stars). 2 submissions from 2 submitters: Uncertain significance (2). Last evaluated 2024-01-23.

Allele frequency attached by ClinVar (database versions not stated): gnomAD exomes 0.00003 and 0.00007; ExAC 0.00008; ESP Exome Variant Server 0.00008; gnomAD 0.00030 and 0.00036; TOPMed 0.00033.
gnomAD v4.1: 91 of 1,611,492 alleles (0.0056%); highest among the groups gnomAD compares: African/African-American, 0.1%; no homozygotes.

Submissions (2):

Ambry Genetics
Classification: Uncertain significance. Last evaluated: 2024-01-23. Review status: criteria provided, single submitter. Criteria: Ambry Variant Classification Scheme 2023. Collection method: clinical testing. Allele origin: germline.

Labcorp Genetics (formerly Invitae), Labcorp
Classification: Uncertain significance. Last evaluated: 2024-01-15. Review status: criteria provided, single submitter. Criteria: Invitae Variant Classification Sherloc (09022015). Collection method: clinical testing. Allele origin: germline.
Comment: This sequence change replaces valine, which is neutral and non-polar, with glycine, which is neutral and non-polar, at codon 791 of the AHR protein (p.Val791Gly). This variant is present in population databases (rs138444833, gnomAD 0.09%). This variant has not been reported in the literature in individuals affected with AHR-related conditions. ClinVar contains an entry for this variant (Variation ID: 1004508). An algorithm developed to predict the effect of missense changes on protein structure and function (PolyPhen-2) suggests that this variant¬†is likely to be tolerated. In summary, the available evidence is currently insufficient to determine the role of this variant in disease. Therefore, it has been classified as a Variant of Uncertain Significance.

NM_001621.5(AHR):c.2372T>G (p.Val791Gly)

Gene: AHR (aryl hydrocarbon receptor; plus strand). Cytogenetic location: 7p21.1.
Variant type: single nucleotide variant.
Coding change: c.2372T>G on transcript NM_001621.5 (MANE Select); coding-DNA position 2372, T replaced by G.
Protein change: p.Val791Gly; replaces valine 791 with glycine.
Molecular consequence: missense variant.
Genome position (GRCh38, 1-based): chr7:17,340,197, T>G. VCF-style: chr7-17340197-T-G. GRCh37 (hg19) VCF-style: chr7-17379821-T-G.
Other names: c.2372T>G (NM_001621.4); short protein forms V791G.
Identifiers: ClinVar variation 1004508 (VCV001004508.5), dbSNP rs138444833, ClinGen allele CA4172282.